The following is an entry in ClinVar:

ClinVar aggregate classification (germline): Likely benign. Review status: criteria provided, multiple submitters, no conflicts (2 of 4 stars). 2 submissions from 2 submitters: Likely benign (2). Last evaluated 2026-04-21.

Conditions:
Osteogenesis imperfecta type I (OI1). Also called: Classic Non-deforming Osteogenesis Imperfecta with Blue Sclerae; OI, TYPE I; OSTEOGENESIS IMPERFECTA TARDA; OSTEOGENESIS IMPERFECTA WITH BLUE SCLERAE; Osteogenesis imperfecta type 1; Lobstein's Disease. Identifiers: Orphanet 216796, Orphanet 666, MedGen C0023931, MONDO:0008146, OMIM 166200. Disease mechanism: loss of function.

Allele frequency attached by ClinVar (database versions not stated): TOPMed 0.00002; gnomAD 0.00003; ExAC 0.00004; gnomAD exomes 0.00005; 1000 Genomes Project 30x 0.00016.

Submissions (2):

Women's Health and Genetics/Laboratory Corporation of America, LabCorp
Classification: Likely benign. Last evaluated: 2026-04-21. Review status: criteria provided, single submitter. Criteria: LabCorp Variant Classification Summary - May 2015. Collection method: clinical testing. Allele origin: germline.
Comment: Variant summary: COL1A1 c.369+16delT alters a nucleotide located at a position not widely known to affect splicing. Consensus agreement among computation tools predict no significant impact on normal splicing. However, these predictions have yet to be confirmed by functional studies. The variant allele was found at a frequency of 2.8e-05 in 248480 control chromosomes. The available data on variant occurrences in the general population are insufficient to allow any conclusion about variant significance. To our knowledge, no occurrence of c.369+16delT in individuals affected with COL1A1-related conditions and no experimental evidence demonstrating its impact on protein function have been reported. ClinVar contains an entry for this variant (Variation ID: 2846479). Based on the evidence outlined above, the variant was classified as likely benign.

Labcorp Genetics (formerly Invitae), Labcorp
Classification: Likely benign for Osteogenesis imperfecta type I. Last evaluated: 2026-01-18. Review status: criteria provided, single submitter. Criteria: Invitae Variant Classification Sherloc (09022015). Collection method: clinical testing. Allele origin: germline.

NM_000088.4(COL1A1):c.369+16del

Gene: COL1A1 (collagen type I alpha 1 chain; minus strand). Cytogenetic location: 17q21.33.
Variant type: Deletion.
Coding change: c.369+16del on transcript NM_000088.4 (MANE Select); 16 bases into the intron after coding-DNA position 369, one base deleted (T; older notation c.369+16delT).
Molecular consequence: intron variant.
Genome position (GRCh38, 1-based): chr17:50,199,402, A deleted on the plus strand (T on the coding strand, the reverse complement: COL1A1 is on the minus strand). VCF-style (leftmost placement, unchanged base first): chr17-50199401-CA-C. GRCh37 (hg19) VCF-style: chr17-48276762-CA-C.
Other names: c.369+16delT (NM_000088.4).
Identifiers: ClinVar variation 2846479 (VCV002846479.4), dbSNP rs749246809, ClinGen allele CA8645728.